The following is an entry in ClinVar:

NM_001113491.2(SEPTIN9):c.687C>T (p.Pro229=)

Gene: SEPTIN9 (septin 9; plus strand). Cytogenetic location: 17q25.3.
Variant type: single nucleotide variant.
Coding change: c.687C>T on transcript NM_001113491.2 (MANE Select); coding-DNA position 687, C replaced by T.
Protein change: p.Pro229=; no amino-acid change (proline 229 retained).
Molecular consequence: synonymous variant.
Genome position (GRCh38, 1-based): chr17:77,402,669, C>T. VCF-style: chr17-77402669-C-T. GRCh37 (hg19) VCF-style: chr17-75398751-C-T.
Other names: c.195C>T, p.Pro65= (NM_001113492.2, NM_001113494.1); c.666C>T, p.Pro222= (NM_001113493.2); c.630C>T, p.Pro210= (NM_001293695.2); c.633C>T, p.Pro211= (NM_006640.5).
Identifiers: ClinVar variation 755684 (VCV000755684.37), dbSNP rs370602650, ClinGen allele CA8793262.

ClinVar aggregate classification (germline): Benign/Likely benign. Review status: criteria provided, multiple submitters, no conflicts (2 of 4 stars). 5 submissions from 5 submitters: Benign (2); Likely benign (3). Last evaluated 2025-12-24.

Conditions:
Amyotrophic neuralgia (HNA). Also called: AMYOTROPHY, HEREDITARY NEURALGIC, WITH PREDILECTION FOR BRACHIAL PLEXUS; AMYOTROPHY, HEREDITARY NEURALGIC; Hereditary Brachial Plexus Neuropathy; Neuritis with Brachial Predilection. Identifiers: Orphanet 2901, MedGen C1834304, MONDO:0008076, OMIM 162100.

Allele frequency attached by ClinVar (database versions not stated): gnomAD 0.00027 and 0.00029; TOPMed 0.00033; ExAC 0.00034; gnomAD exomes 0.00039; ESP Exome Variant Server 0.00042.
gnomAD v4.1: 455 of 1,607,154 alleles (0.028%); highest among the groups gnomAD compares: Admixed American, 0.078%; no homozygotes.

Submissions (5):

Labcorp Genetics (formerly Invitae), Labcorp
Classification: Benign. Last evaluated: 2025-12-24. Review status: criteria provided, single submitter. Criteria: Invitae Variant Classification Sherloc (09022015). Collection method: clinical testing. Allele origin: germline.

Blueprint Genetics
Classification: Likely benign. Last evaluated: 2024-11-14. Review status: criteria provided, single submitter. Criteria: ACMG Guidelines, 2015. Collection method: clinical testing. Allele origin: germline.

CeGaT Center for Human Genetics Tuebingen
Classification: Likely benign. Last evaluated: 2023-10-01. Review status: criteria provided, single submitter. Criteria: CeGaT Center For Human Genetics Tuebingen Variant Classification Criteria Version 2. Collection method: clinical testing. Allele origin: germline. Affected: yes. Observed: 2 variant alleles.
Comment: SEPTIN9: BP4, BP7

Genome-Nilou Lab
Classification: Benign for Amyotrophic neuralgia. Last evaluated: 2021-12-05. Review status: criteria provided, single submitter. Criteria: ACMG Guidelines, 2015. Collection method: clinical testing. Allele origin: germline. Affected: no.

GeneDx
Classification: Likely benign. Last evaluated: 2018-08-22. Review status: criteria provided, single submitter. Criteria: GeneDx Variant Classification Process June 2021. Collection method: clinical testing. Allele origin: germline. Affected: yes.